The following is an entry in ClinVar:

NM_016035.5(COQ4):c.529del (p.Leu177fs)

Gene: COQ4 (coenzyme Q4; plus strand). Cytogenetic location: 9q34.11.
Variant type: Deletion.
Coding change: c.529del on transcript NM_016035.5 (MANE Select); coding-DNA position 529, one base deleted (C; older notation c.529delC).
Protein change: p.Leu177fs; shifts the reading frame from leucine 177.
Molecular consequence: frameshift variant. On other transcripts: intron variant (1).
Genome position (GRCh38, 1-based): chr9:128,332,279, C deleted; the last of 2 consecutive C bases (chr9:128,332,278-128,332,279); deleting either gives the same sequence. VCF-style (leftmost placement, unchanged base first): chr9-128332277-TC-T. GRCh37 (hg19) VCF-style: chr9-131094556-TC-T.
Other names: c.*3-1195del (NM_001305942.2); short protein forms L177fs.
Identifiers: ClinVar variation 4277273 (VCV004277273.1).

ClinVar aggregate classification (germline): Likely pathogenic (1 of 4 stars; one submission).

Conditions:
Neonatal encephalomyopathy-cardiomyopathy-respiratory distress syndrome. Also called: Coenzyme Q10 deficiency, primary, 7. Identifiers: Orphanet 457185, MedGen C5568562, MONDO:0014562, OMIM 616276.

Submission:

MVZ Medizinische Genetik Mainz
Classification: Likely pathogenic for Neonatal encephalomyopathy-cardiomyopathy-respiratory distress syndrome. Last evaluated: 2025-08-21. Review status: criteria provided, single submitter. Criteria: UK Practice Guidelines For Variant Classification V4 01 2020. Collection method: clinical testing. Allele origin: germline. Inheritance: Autosomal recessive inheritance. Affected: yes. Observed: 1 variant allele.
Comment: ACMG Criteria: PVS1,PM2_SUP